The following is an entry in ClinVar:

NM_003240.5(LEFTY2):c.723C>A (p.Asp241Glu)

Gene: LEFTY2 (left-right determination factor 2; minus strand). Cytogenetic location: 1q42.12.
Variant type: single nucleotide variant.
Coding change: c.723C>A on transcript NM_003240.5 (MANE Select); coding-DNA position 723, C replaced by A.
Protein change: p.Asp241Glu; replaces aspartic acid 241 with glutamic acid.
Molecular consequence: missense variant.
Genome position (GRCh38, 1-based): chr1:225,939,375, G>T on the plus strand (C>A on the coding strand, the complement: LEFTY2 is on the minus strand). VCF-style: chr1-225939375-G-T. GRCh37 (hg19) VCF-style: chr1-226127075-G-T.
Other names: c.621C>A, p.Asp207Glu (NM_001172425.3); short protein forms D207E, D241E.
Identifiers: ClinVar variation 3537795 (VCV003537795.3).

ClinVar aggregate classification (germline): Uncertain significance. Review status: criteria provided, multiple submitters, no conflicts (2 of 4 stars). 2 submissions from 2 submitters: Uncertain significance (2). Last evaluated 2024-12-31.

Conditions:
Left-right axis malformations. Identifiers: MedGen C1866091.

Submissions (2):

Labcorp Genetics (formerly Invitae), Labcorp
Classification: Uncertain significance for Left-right axis malformations. Last evaluated: 2024-12-31. Review status: criteria provided, single submitter. Criteria: Invitae Variant Classification Sherloc (09022015). Collection method: clinical testing. Allele origin: germline.
Comment: This sequence change replaces aspartic acid, which is acidic and polar, with glutamic acid, which is acidic and polar, at codon 241 of the LEFTY2 protein (p.Asp241Glu). This variant is present in population databases (rs773043525, gnomAD 0.05%), and has an allele count higher than expected for a pathogenic variant. This variant has not been reported in the literature in individuals affected with LEFTY2-related conditions. Invitae Evidence Modeling of protein sequence and biophysical properties (such as structural, functional, and spatial information, amino acid conservation, physicochemical variation, residue mobility, and thermodynamic stability) indicates that this missense variant is not expected to disrupt LEFTY2 protein function with a negative predictive value of 80%. In summary, the available evidence is currently insufficient to determine the role of this variant in disease. Therefore, it has been classified as a Variant of Uncertain Significance.

Ambry Genetics
Classification: Uncertain significance. Last evaluated: 2024-11-28. Review status: criteria provided, single submitter. Criteria: Ambry Variant Classification Scheme 2023. Collection method: clinical testing. Allele origin: germline.